The following is an entry in ClinVar:

NM_000531.6(OTC):c.906C>T (p.His302=)

Gene: OTC (ornithine transcarbamylase; plus strand). Cytogenetic location: Xp11.4.
Variant type: single nucleotide variant.
Coding change: c.906C>T on transcript NM_000531.6 (MANE Select); coding-DNA position 906, C replaced by T.
Protein change: p.His302=; no amino-acid change (histidine 302 retained).
Molecular consequence: synonymous variant.
Genome position (GRCh38, 1-based): chrX:38,411,900, C>T. VCF-style: chrX-38411900-C-T. GRCh37 (hg19) VCF-style: chrX-38271153-C-T.
Identifiers: ClinVar variation 1096485 (VCV001096485.12), dbSNP rs67870244, ClinGen allele CA515642700.

ClinVar aggregate classification (germline): Likely benign. Review status: criteria provided, multiple submitters, no conflicts (2 of 4 stars). 2 submissions from 2 submitters: Likely benign (2). Last evaluated 2025-04-17.

Conditions:
Ornithine carbamoyltransferase deficiency (OTCD). Also called: ORNITHINE TRANSCARBAMYLASE DEFICIENCY; ORNITHINE TRANSCARBAMYLASE DEFICIENCY, HYPERAMMONEMIA DUE TO; OTC DEFICIENCY; Ornithine Carbamoyltransferase Deficiency Disease. Identifiers: Orphanet 664, MedGen C0268542, MONDO:0010703, OMIM 311250.

Allele frequency attached by ClinVar (database versions not stated): gnomAD exomes 0.00001; gnomAD 0.00002; TOPMed 0.00002.
gnomAD v4.1: 4 of 1,209,152 alleles (0.00033%); highest among the groups gnomAD compares: Non-Finnish European, 0.00045%; no homozygotes.

Submissions (2):

Labcorp Genetics (formerly Invitae), Labcorp
Classification: Likely benign for Ornithine carbamoyltransferase deficiency. Last evaluated: 2025-04-17. Review status: criteria provided, single submitter. Criteria: Invitae Variant Classification Sherloc (09022015). Collection method: clinical testing. Allele origin: germline.

All of Us Research Program, National Institutes of Health
Classification: Likely benign for Ornithine carbamoyltransferase deficiency. Last evaluated: 2023-09-04. Review status: criteria provided, single submitter. Criteria: ACMG Guidelines, 2015. Collection method: clinical testing. Allele origin: germline. Inheritance: X-linked inheritance. Observed: 1 variant allele, 1 heterozygote.
Comment: This study involves interpretation of variants in research participants for the purpose of population health screening. Participant phenotype was not available at the time of variant classification. Additional details can be found in publication PMID: 35346344, PMCID: PMC8962531